The following is an entry in ClinVar:

NM_000455.5(STK11):c.618G>C (p.Ala206=)

Gene: STK11 (serine/threonine kinase 11; plus strand). Cytogenetic location: 19p13.3.
Variant type: single nucleotide variant.
Coding change: c.618G>C on transcript NM_000455.5 (MANE Select); coding-DNA position 618, G replaced by C.
Protein change: p.Ala206=; no amino-acid change (alanine 206 retained).
Molecular consequence: synonymous variant.
Genome position (GRCh38, 1-based): chr19:1,220,601, G>C. VCF-style: chr19-1220601-G-C. GRCh37 (hg19) VCF-style: chr19-1220600-G-C.
Identifiers: ClinVar variation 485018 (VCV000485018.15), dbSNP rs370976710, ClinGen allele CA048389.

ClinVar aggregate classification (germline): Conflicting classifications of pathogenicity. Review status: criteria provided, conflicting classifications (1 of 4 stars). 5 submissions from 5 submitters: Uncertain significance (2); Benign (1); Likely benign (2). Last evaluated 2025-03-26.

Conditions:
Hereditary cancer-predisposing syndrome. Also called: Hereditary neoplastic syndrome; Neoplastic Syndromes, Hereditary; Tumor predisposition; Hereditary Cancer Syndrome. Identifiers: Orphanet 140162, MedGen C0027672, MeSH D009386, MONDO:0015356.
Peutz-Jeghers syndrome (PJS). Also called: POLYPOSIS, HAMARTOMATOUS INTESTINAL; POLYPS-AND-SPOTS SYNDROME; Peutz-Jeghers polyposis; Periorificial lentiginosis syndrome. Identifiers: Orphanet 2869, MedGen C0031269, MeSH D010580, MONDO:0008280, OMIM 175200.

Submissions (5):

Myriad Genetics, Inc.
Classification: Benign for Peutz-Jeghers syndrome. Last evaluated: 2025-03-26. Review status: criteria provided, single submitter. Criteria: Myriad Autosomal Dominant, Autosomal Recessive and X-Linked Classification Criteria (2023). Collection method: clinical testing. Allele origin: unknown.
Comment: This variant is considered benign. This variant is a silent/synonymous amino acid change and it is not expected to impact splicing.

Labcorp Genetics (formerly Invitae), Labcorp
Classification: Likely benign for Peutz-Jeghers syndrome. Last evaluated: 2023-12-13. Review status: criteria provided, single submitter. Criteria: Invitae Variant Classification Sherloc (09022015). Collection method: clinical testing. Allele origin: germline.

Genome-Nilou Lab
Classification: Uncertain significance for Peutz-Jeghers syndrome. Last evaluated: 2021-07-15. Review status: criteria provided, single submitter. Criteria: ACMG Guidelines, 2015. Collection method: clinical testing. Allele origin: germline. Affected: no.

Ambry Genetics
Classification: Likely benign for Hereditary cancer-predisposing syndrome. Last evaluated: 2017-04-27. Review status: criteria provided, single submitter. Criteria: Ambry Variant Classification Scheme 2023. Collection method: clinical testing. Allele origin: germline.

Illumina Laboratory Services, Illumina
Classification: Uncertain significance for Peutz-Jeghers syndrome. Last evaluated: 2017-04-27. Review status: criteria provided, single submitter. Criteria: ICSL Variant Classification Criteria 13 December 2019. Collection method: clinical testing. Allele origin: germline.